The following is an entry in ClinVar:

NM_016614.3(TDP2):c.445T>C (p.Phe149Leu)

Gene: TDP2 (tyrosyl-DNA phosphodiesterase 2; minus strand). Cytogenetic location: 6p22.3.
Variant type: single nucleotide variant.
Coding change: c.445T>C on transcript NM_016614.3 (MANE Select); coding-DNA position 445, T replaced by C.
Protein change: p.Phe149Leu; replaces phenylalanine 149 with leucine.
Molecular consequence: missense variant.
Genome position (GRCh38, 1-based): chr6:24,657,884, A>G on the plus strand (T>C on the coding strand, the complement: TDP2 is on the minus strand). VCF-style: chr6-24657884-A-G. GRCh37 (hg19) VCF-style: chr6-24658112-A-G.
Other names: p.Phe149Leu; short protein forms F149L.
Identifiers: ClinVar variation 4541106 (VCV004541106.1).
Genomic context (GRCh38, chr6:24,657,884, plus strand): 5'-CATAATTACTTGATCTCTTCTTTAGGTAGCTATAATATGGGGGAATAACTTCCTGTAGAA[A>G]TATCACATCTGGGCTGTACCTAATGAAAAACATCAATTTATGACAAATACCAAGTATACC-3'
Protein context (NP_057698.2, residues 139-159): YLALYSPDVI[Phe149Leu]LQEVIPPYYS

ClinVar aggregate classification (germline): Uncertain significance (1 of 4 stars; one submission).

Submission:

Mayo Clinic Laboratories, Mayo Clinic
Classification: Uncertain significance. Last evaluated: 2025-05-20. Review status: criteria provided, single submitter. Criteria: ACMG Guidelines, 2015. Collection method: clinical testing. Allele origin: germline. Observed: 1 variant allele.
Comment: PP3